The following is an entry in ClinVar:

NM_004453.4(ETFDH):c.524G>A (p.Arg175His)

Gene: ETFDH (electron transfer flavoprotein dehydrogenase; plus strand). Cytogenetic location: 4q32.1.
Variant type: single nucleotide variant.
Coding change: c.524G>A on transcript NM_004453.4 (MANE Select); coding-DNA position 524, G replaced by A.
Protein change: p.Arg175His; replaces arginine 175 with histidine.
Molecular consequence: missense variant.
Genome position (GRCh38, 1-based): chr4:158,685,137, G>A. VCF-style: chr4-158685137-G-A. GRCh37 (hg19) VCF-style: chr4-159606289-G-A.
Other names: c.383G>A, p.Arg128His (NM_001281737.2); c.341G>A, p.Arg114His (NM_001281738.1); c.524G>A (NM_004453.2); short protein forms R175H, R114H, R128H.
Identifiers: ClinVar variation 31576 (VCV000031576.22), dbSNP rs121964955, ClinGen allele CA129815.

ClinVar aggregate classification (germline): Pathogenic/Likely pathogenic. Review status: criteria provided, multiple submitters, no conflicts (2 of 4 stars). 10 submissions from 10 submitters: Pathogenic (8); Likely pathogenic (1). 1 of the submissions does not count toward it. Last evaluated 2025-09-05.

Conditions:
Glutaric acidemia type 2C.
Glutaric acidemia IIc. Also called: ETFDH deficiency. Identifiers: MedGen C3278156, MONDO:0700076.
Multiple acyl-CoA dehydrogenase deficiency (MADD). Also called: Glutaric acidemia type II; GA 2; Glutaric Acidemia type 2; ETHYLMALONIC-ADIPICACIDURIA; GA II; Glutaric aciduria, type 2. Identifiers: Orphanet 26791, MedGen C0268596, MONDO:0009282, OMIM 231680.

Allele frequency attached by ClinVar (database versions not stated): TOPMed 0.00002; gnomAD 0.00001.
gnomAD v4.1: 14 of 1,611,638 alleles (0.00087%); highest among the groups gnomAD compares: African/African-American, 0.004%; no homozygotes.

Submissions (10):

Natera, Inc.
Classification: Pathogenic for Glutaric acidemia type 2C. Last evaluated: 2025-09-05. Review status: criteria provided, single submitter. Criteria: Natera Variant Classification Schema (03/2026). Collection method: clinical testing. Allele origin: germline.
Comment: The c.524G>A variant in ETFDH is a missense variant predicted to cause substitution of arginine to histidine at amino acid 175. This variant is rare in the general population with a frequency below the threshold expected for the associated phenotype(s). This variant has been observed in one or more individuals affected with the associated recessive disease, as either homozygous or compound heterozygous with a second variant (PMID: 27038534, 24357026, 20370797, 29988809). A different variant at the same position has been determined to be Pathogenic or Likely Pathogenic. Computational prediction algorithms indicate this variant is likely to affect gene or protein function. Given the available evidence, this variant is classified as Pathogenic.

Labcorp Genetics (formerly Invitae), Labcorp
Classification: Pathogenic for Multiple acyl-CoA dehydrogenase deficiency. Last evaluated: 2025-08-25. Review status: criteria provided, single submitter. Criteria: Invitae Variant Classification Sherloc (09022015). Collection method: clinical testing. Allele origin: germline.
Comment: This sequence change replaces arginine, which is basic and polar, with histidine, which is basic and polar, at codon 175 of the ETFDH protein (p.Arg175His). This variant is present in population databases (rs121964955, gnomAD 0.006%). This missense change has been observed in individual(s) with multiple acyl-CoA dehydrogenase deficiency (PMID: 18289905, 20138856, 21347544, 23628458, 29988809). In at least one individual the data is consistent with being in trans (on the opposite chromosome) from a pathogenic variant. It has also been observed to segregate with disease in related individuals. ClinVar contains an entry for this variant (Variation ID: 31576). Invitae Evidence Modeling of protein sequence and biophysical properties (such as structural, functional, and spatial information, amino acid conservation, physicochemical variation, residue mobility, and thermodynamic stability) indicates that this missense variant is expected to disrupt ETFDH protein function with a positive predictive value of 80%. For these reasons, this variant has been classified as Pathogenic.

3billion
Classification: Pathogenic for Multiple acyl-CoA dehydrogenase deficiency. Last evaluated: 2024-10-23. Review status: criteria provided, single submitter. Criteria: ACMG Guidelines, 2015. Collection method: clinical testing. Allele origin: germline. Affected: yes.
Comment: The variant is observed at an extremely low frequency in the gnomAD v4.1.0 dataset (total allele frequency: <0.001%). Predicted Consequence/Location: Missense variant In silico tool predictions suggest damaging effect of the variant on gene or gene product [REVEL: 0.92 (>=0.6, sensitivity 0.68 and specificity 0.92); 3Cnet: 0.99 (>=0.6, sensitivity 0.72 and precision 0.9)]. The same nucleotide change resulting in the same amino acid change has been previously reported as pathogenic/likely pathogenic with strong evidence (ClinVar ID: VCV000031576 /PMID: 18289905). Different missense changes at the same codon (p.Arg175Cys, p.Arg175Leu, p.Arg175Pro) have been reported as pathogenic/likely pathogenic with strong evidence (ClinVar ID: VCV000012029, VCV000203713, VCV000418182 /PMID: 19249206). Therefore, this variant is classified as Pathogenic according to the recommendation of ACMG/AMP guideline.

GeneDx
Classification: Likely pathogenic. Last evaluated: 2024-04-26. Review status: criteria provided, single submitter. Criteria: GeneDx Variant Classification Process June 2021. Collection method: clinical testing. Allele origin: germline. Affected: yes.
Comment: Not observed at significant frequency in large population cohorts (gnomAD); In silico analysis supports that this missense variant has a deleterious effect on protein structure/function; This variant is associated with the following publications: (PMID: 18289905, 29988809, 22013910, 31589614, 34440319, 33823724, 30477628, 27270537, 20138856, 21347544, 25556768, 32778825, 37845732, 27591119, 33589341, 37268358, 36334790, 33438237, 19249206, 38187300, 23628458, 31136308, 35822092, 36713348, 19783111, 20370797, 36406819, 36787440, 36326420, 34041209, 33639866, 34718578)

Fulgent Genetics
Classification: Pathogenic for Multiple acyl-CoA dehydrogenase deficiency. Last evaluated: 2024-04-12. Review status: criteria provided, single submitter. Criteria: ACMG Guidelines, 2015. Collection method: clinical testing. Allele origin: germline.

Baylor Genetics
Classification: Pathogenic for Multiple acyl-CoA dehydrogenase deficiency. Last evaluated: 2023-07-17. Review status: criteria provided, single submitter. Criteria: ACMG Guidelines, 2015. Collection method: clinical testing. Allele origin: unknown.

Revvity Omics, Revvity
Classification: Pathogenic for Multiple acyl-CoA dehydrogenase deficiency. Last evaluated: 2023-06-12. Review status: criteria provided, single submitter. Criteria: ACMG Guidelines, 2015. Collection method: clinical testing. Allele origin: germline.

Juno Genomics, Hangzhou Juno Genomics, Inc
Classification: Pathogenic for Multiple acyl-CoA dehydrogenase deficiency. Review status: criteria provided, single submitter. Criteria: ACMG Guidelines, 2015. Collection method: clinical testing. Allele origin: germline.
Comment: Absent from controls (or at extremely low frequency if recessive) in Genome Aggregation Database.;Multiple lines of computational evidence support a deleterious effect on the gene or gene product.;For recessive disorders, detected in trans with a pathogenic variant.;Co-segregation with disease in multiple affected family members.;Patient's phenotype or family history is highly specific for a disease with a single genetic etiology.

Neuberg Centre For Genomic Medicine, NCGM
Classification: Pathogenic for Multiple acyl-CoA dehydrogenase deficiency. Review status: criteria provided, single submitter. Criteria: ACMG Guidelines, 2015. Collection method: clinical testing. Allele origin: germline. Inheritance: Autosomal recessive inheritance. Affected: yes.

OMIM
Classification: Pathogenic for GLUTARIC ACIDEMIA IIC. Last evaluated: 2009-03-01. Review status: no assertion criteria provided. Collection method: literature only. Allele origin: germline. Not counted in ClinVar's aggregate classification.

Literature cited by the submitters: PubMed 27038534 (cited by Natera, Inc.); PubMed 24357026 (cited by Natera, Inc.); PubMed 20370797 (cited by Natera, Inc.); PubMed 29988809 (cited by Natera, Inc. and Labcorp Genetics (formerly Invitae), Labcorp); PubMed 18289905 (cited by Labcorp Genetics (formerly Invitae), Labcorp and 3billion); PubMed 20138856 (cited by Labcorp Genetics (formerly Invitae), Labcorp); PubMed 21347544 (cited by Labcorp Genetics (formerly Invitae), Labcorp); PubMed 23628458 (cited by Labcorp Genetics (formerly Invitae), Labcorp); PubMed 19249206 (cited by 3billion and OMIM).